The following is an entry in ClinVar:

NM_014159.7(SETD2):c.4872T>A (p.Ser1624=)

Gene: SETD2 (SET domain containing 2, histone lysine methyltransferase; minus strand). Cytogenetic location: 3p21.31.
Variant type: single nucleotide variant.
Coding change: c.4872T>A on transcript NM_014159.7 (MANE Select); coding-DNA position 4872, T replaced by A.
Protein change: p.Ser1624=; no amino-acid change (serine 1624 retained).
Molecular consequence: synonymous variant. On other transcripts: non-coding transcript variant (1).
Genome position (GRCh38, 1-based): chr3:47,103,391, A>T on the plus strand (T>A on the coding strand, the complement: SETD2 is on the minus strand). VCF-style: chr3-47103391-A-T. GRCh37 (hg19) VCF-style: chr3-47144881-A-T.
Other names: c.4740T>A, p.Ser1580= (NM_001349370.3).
Identifiers: ClinVar variation 475521 (VCV000475521.19), dbSNP rs75763513, ClinGen allele CA2363048.

ClinVar aggregate classification (germline): Benign/Likely benign. Review status: criteria provided, multiple submitters, no conflicts (2 of 4 stars). 6 submissions from 6 submitters: Benign (3); Likely benign (2). 1 of the submissions does not count toward it. Last evaluated 2026-01-18.

Conditions:
SETD2-related disorder.
Luscan-Lumish syndrome. Identifiers: Orphanet 597738, MedGen C4085873, MONDO:0014791, OMIM 616831.

Allele frequency attached by ClinVar (database versions not stated): gnomAD exomes 0.00093 and 0.00261; ExAC 0.00337; gnomAD 0.00999 and 0.01071; ESP Exome Variant Server 0.01046; TOPMed 0.01130; 1000 Genomes Project 0.01238; 1000 Genomes Project 30x 0.01312.
gnomAD v4.1: 2,925 of 1,613,314 alleles (0.18%); highest among the groups gnomAD compares: African/African-American, 3.6%; 50 homozygotes.

Submissions (6):

Labcorp Genetics (formerly Invitae), Labcorp
Classification: Benign for Luscan-Lumish syndrome. Last evaluated: 2026-01-18. Review status: criteria provided, single submitter. Criteria: Invitae Variant Classification Sherloc (09022015). Collection method: clinical testing. Allele origin: germline.

Athena Diagnostics
Classification: Benign. Last evaluated: 2024-02-16. Review status: criteria provided, single submitter. Criteria: Athena Diagnostics Criteria. Collection method: clinical testing. Allele origin: unknown.

Genome-Nilou Lab
Classification: Benign for Luscan-Lumish syndrome. Last evaluated: 2022-03-15. Review status: criteria provided, single submitter. Criteria: ACMG Guidelines, 2015. Collection method: clinical testing. Allele origin: germline. Affected: no.

GeneDx
Classification: Likely benign. Last evaluated: 2021-02-05. Review status: criteria provided, single submitter. Criteria: GeneDx Variant Classification Process June 2021. Collection method: clinical testing. Allele origin: germline. Affected: yes.

Breakthrough Genomics
Classification: Likely benign. Review status: criteria provided, single submitter. Criteria: ACMG Guidelines, 2015. Collection method: not provided. Allele origin: germline. Inheritance: Autosomal dominant inheritance. Affected: yes.

PreventionGenetics, part of Exact Sciences
Classification: Benign for SETD2-related condition. Last evaluated: 2020-10-10. Review status: no assertion criteria provided. Collection method: clinical testing. Allele origin: germline. Not counted in ClinVar's aggregate classification.
Comment: This variant is classified as benign based on ACMG/AMP sequence variant interpretation guidelines (Richards et al. 2015 PMID: 25741868, with internal and published modifications).

Literature cited by the submitters: PubMed 24142049 (cited by Athena Diagnostics).